The following is an entry in ClinVar:

ClinVar aggregate classification (germline): Pathogenic/Likely pathogenic. Review status: criteria provided, multiple submitters, no conflicts (2 of 4 stars). 6 submissions from 6 submitters: Pathogenic (2); Likely pathogenic (4). Last evaluated 2025-09-01.

Conditions:
Hereditary cancer-predisposing syndrome. Also called: Neoplastic Syndromes, Hereditary; Hereditary Cancer Syndrome; Tumor predisposition; Hereditary neoplastic syndrome. Identifiers: Orphanet 140162, MedGen C0027672, MeSH D009386, MONDO:0015356.
Ataxia-telangiectasia syndrome (AT). Also called: LOUIS-BAR SYNDROME; Cerebello-oculocutaneous telangiectasia; Immunodeficiency with ataxia telangiectasia; Ataxia-telangiectasia, complementation group D; AT, COMPLEMENTATION GROUP C; Ataxia-telangiectasia, complementation group E. Identifiers: Orphanet 100, MedGen C0004135, MONDO:0008840, OMIM 208900.

Submissions (6):

Labcorp Genetics (formerly Invitae), Labcorp
Classification: Pathogenic for Ataxia-telangiectasia syndrome. Last evaluated: 2025-09-01. Review status: criteria provided, single submitter. Criteria: Invitae Variant Classification Sherloc (09022015). Collection method: clinical testing. Allele origin: germline.
Comment: This sequence change falls in intron 52 of the ATM gene. It does not directly change the encoded amino acid sequence of the ATM protein. RNA analysis indicates that this variant induces altered splicing and likely results in a shortened protein product. This variant is not present in population databases (gnomAD no frequency). This variant has been observed in individual(s) with ataxia-telangiectasia and/or breast cancer (PMID: 33011440; De Stefano et al. 2016. J Lab Med. 40(4): 255–261). In at least one individual the data is consistent with being in trans (on the opposite chromosome) from a pathogenic variant. ClinVar contains an entry for this variant (Variation ID: 420257). Variants that disrupt the consensus splice site are a relatively common cause of aberrant splicing (PMID: 17576681, 9536098). Studies have shown that this variant results in skipping of exon 52, but is expected to preserve the integrity of the reading-frame (PMID: 33011440; internal data). This variant disrupts a region of the ATM protein in which other variant(s) (p.Arg2547_Ser2549del) have been determined to be pathogenic (PMID: 7792600, 8797579, 11382771, 12552559, 21787400, 22649200). This suggests that this is a clinically significant region of the protein, and that variants that disrupt it are likely to be disease-causing. For these reasons, this variant has been classified as Pathogenic.

Ambry Genetics
Classification: Likely pathogenic for Hereditary cancer-predisposing syndrome. Last evaluated: 2025-06-12. Review status: criteria provided, single submitter. Criteria: Ambry Variant Classification Scheme 2023. Collection method: clinical testing. Allele origin: germline.
Comment: The c.7788+3A>G intronic variant results from an A to G substitution 3 nucleotides after coding exon 51 in the ATM gene. This nucleotide position is highly conserved in available vertebrate species. In silico splice site analysis predicts that this alteration will weaken the native splice donor site. In a study involving RNA extraction for RT-PCR and Sanger sequencing of 10 hereditary cancer genes, incomplete disruption of the natural splice site was observed for this alteration (Rofes P et al. J Mol Diagn, 2020 12;22:1453-1468). This variant has been identified in conjunction with other ATM pathogenic variants in an individual with features consistent with Ataxia telangiectasia; in at least one instance, the variants were identified in trans (De Stefano, A. et al, LaboratoriumsMedizin 40(4), 255-261 DOI 10.1515/labmed-2016-0018). Based on the majority of available evidence to date, this variant is likely to be pathogenic.

Color Diagnostics, LLC DBA Color Health
Classification: Likely pathogenic for Hereditary cancer-predisposing syndrome. Last evaluated: 2025-02-18. Review status: criteria provided, single submitter. Criteria: ACMG Guidelines, 2015. Collection method: clinical testing. Allele origin: germline.
Comment: This variant causes an A to G nucleotide substitution at the +3 position of intron 52/62 of the ATM gene. Splice site prediction tools predict that this variant may have a significant impact on RNA splicing. RNA studies showed that this variant caused in-frame exon 52 skipping and a small amount of out-of-frame exon 52 and 53 skipping in the FAT domain (PMID: 33011440). This variant has been observed in two sisters affected with bilateral breast cancer (PMID: 33011440). This variant has also been observed in the compound heterozygous state in an individual affected with autosomal recessive ataxia-telangiectasia (DOI: 10.1515/labmed-2016-0018), indicating that this variant contributes to disease. This variant has not been identified in the general population by the Genome Aggregation Database (gnomAD). Loss of ATM function is a known mechanism of disease. Based on the available evidence, this variant is classified as Likely Pathogenic.

Women's Health and Genetics/Laboratory Corporation of America, LabCorp
Classification: Pathogenic for Ataxia-telangiectasia syndrome. Last evaluated: 2024-12-17. Review status: criteria provided, single submitter. Criteria: LabCorp Variant Classification Summary - May 2015. Collection method: clinical testing. Allele origin: germline.
Comment: Variant summary: ATM c.7788+3A>G alters a conserved nucleotide located close to a canonical splice site and therefore could affect mRNA splicing, leading to a significantly altered protein sequence. Several computational tools predict a significant impact on normal splicing: One predicts the variant weakens a 5' donor site. One predicts the variant abolishes a 5' splicing donor site. Functional studies report that the variant resulted in aberrant splicing (PMID: 33011440, Internal data). The variant was absent in 250802 control chromosomes (gnomAD). c.7788+3A>G has been reported in the literature in at least an individual affected with Ataxia-Telangiectasia where it was seen in trans with a pathogenic variant (DeStefano_2016). The following publications have been ascertained in the context of this evaluation (PMID: 26845104, 33011440). ClinVar contains an entry for this variant (Variation ID: 420257). Based on the evidence outlined above, the variant was classified as pathogenic.

GeneDx
Classification: Likely pathogenic. Last evaluated: 2023-02-01. Review status: criteria provided, single submitter. Criteria: GeneDx Variant Classification Process June 2021. Collection method: clinical testing. Allele origin: germline. Affected: yes.
Comment: Intronic variant demonstrated to result in the in-frame skipping of exon 52, which includes the critical FAT domain, as well as out-of-frame exons 52-53, and exon 53 (Stracker et al., 2014; Rofes et al., 2020); Non-canonical splice site variant expected to result in aberrant splicing; Not observed at significant frequency in large population cohorts (gnomAD); This variant is associated with the following publications: (PMID: 33011440, 33280026, 23532176, DeStefano2016[Article])

Spanish ATM Cancer Susceptibility Variant Interpretation Working Group
Classification: Likely pathogenic for Hereditary cancer-predisposing syndrome. Last evaluated: 2020-06-17. Review status: criteria provided, single submitter. Criteria: Feliubadaló L et al. (Clin Chem 2021). Collection method: clinical testing. Allele origin: germline. Affected: yes. Observed: 1 heterozygote.
Comment: The c.7788+3A>G variant it is predicted to disrupt the donor splice site for intron 52. The skipping of exon 52 predicted by default would result in an in-frame deletion of 53 codons (r. .7630_7788del, p.Leu2544_Glu2596del, PP3). Splicing studies performed by two independent laboratories with heterozygous carrier RNA from breast cancer patients confirmed the presence of the predicted transcript with a band intensity comparable to that of the wild-type band (r.7630_7927del p.Leu2544Lysfs*3, O. Díez, unpublished and PMID: 33011440). Sanger sequencing also revealed a very minor transcript corresponding to the out-of-frame skipping of exons 52 and 53 (PMID: 33011440). Although the major transcript is in frame, the skipped exon 52 is located in the FAT domain and contains the nucleotides deleted in the pathogenic in-frame deletion pathogenic variant c.7638_7646del. These RNA results and their expected consequence allow for a funtional supporting code (PS3_Supporting). The c.7788+3A>G variant is absent from the gnomAD v2.1.1 non-cancer dataset, in a position with adequate coverage (>20x) (PM2). It has been reported in one ataxia-telangiectasia proband in trans with c.5932G > T (p.Glu1978*), which awards it with 1 point as per ClinGen SVI Recommendation for in trans Criterion (PM3, De Stefano, 2016 DOI 10.1515/labmed-2016-0018). Therefore, this variant meets criteria to be classified as pathogenic. Adapted ACMG/AMP rules applied as defined by the Spanish ATM working group: PM2 + PM3 + PP3 + PS3_Supporting (PMID: 33280026).

Literature cited by the submitters: PubMed 33011440 (cited by 5 submitters); PubMed 2016 (cited by Labcorp Genetics (formerly Invitae), Labcorp); PubMed 40 (cited by Labcorp Genetics (formerly Invitae), Labcorp); PubMed 4 (cited by Labcorp Genetics (formerly Invitae), Labcorp); PubMed 17576681 (cited by Labcorp Genetics (formerly Invitae), Labcorp); PubMed 9536098 (cited by Labcorp Genetics (formerly Invitae), Labcorp); PubMed 7792600 (cited by Labcorp Genetics (formerly Invitae), Labcorp); PubMed 8797579 (cited by Labcorp Genetics (formerly Invitae), Labcorp); PubMed 11382771 (cited by Labcorp Genetics (formerly Invitae), Labcorp); PubMed 12552559 (cited by Labcorp Genetics (formerly Invitae), Labcorp); PubMed 21787400 (cited by Labcorp Genetics (formerly Invitae), Labcorp); PubMed 22649200 (cited by Labcorp Genetics (formerly Invitae), Labcorp); PubMed 26845104 (cited by Women's Health and Genetics/Laboratory Corporation of America, LabCorp).

NM_000051.4(ATM):c.7788+3A>G

Genes: ATM (ATM serine/threonine kinase; plus strand), C11orf65 (chromosome 11 open reading frame 65; minus strand). Cytogenetic location: 11q22.3.
Variant type: single nucleotide variant.
Coding change: c.7788+3A>G on transcript NM_000051.4 (MANE Select); 3 bases into the intron after coding-DNA position 7788, A replaced by G.
Molecular consequence: intron variant.
Genome position (GRCh38, 1-based): chr11:108,332,040, A>G. VCF-style: chr11-108332040-A-G. GRCh37 (hg19) VCF-style: chr11-108202767-A-G.
Other names: c.7788+3A>G (NM_001351834.2); c.641-22969T>C (NM_001330368.2); c.*38+3180T>C (NM_001351110.2).
Identifiers: ClinVar variation 420257 (VCV000420257.16), dbSNP rs869312788, ClinGen allele CA16619241.